The following is an entry in ClinVar:

NM_001267550.2(TTN):c.9870T>A (p.Asp3290Glu)

Gene: TTN (titin; minus strand). Cytogenetic location: 2q31.2.
Variant type: single nucleotide variant.
Coding change: c.9870T>A on transcript NM_001267550.2 (MANE Select); coding-DNA position 9870, T replaced by A.
Protein change: p.Asp3290Glu; replaces aspartic acid 3290 with glutamic acid.
Molecular consequence: missense variant.
Genome position (GRCh38, 1-based): chr2:178,764,645, A>T on the plus strand (T>A on the coding strand, the complement: TTN is on the minus strand). VCF-style: chr2-178764645-A-T. GRCh37 (hg19) VCF-style: chr2-179629372-A-T.
Other names: p.Asp3290Glu; c.9870T>A, p.Asp3290Glu (NM_001256850.1, NM_133378.4, NM_133379.5); c.9732T>A, p.Asp3244Glu (NM_003319.4, NM_133432.3, NM_133437.4); short protein forms D3290E, D3244E.
Identifiers: ClinVar variation 497516 (VCV000497516.9), dbSNP rs727503680, ClinGen allele CA349674215.

ClinVar aggregate classification (germline): Uncertain significance. Review status: criteria provided, multiple submitters, no conflicts (2 of 4 stars). 3 submissions from 3 submitters: Uncertain significance (3). Last evaluated 2022-03-22.

gnomAD v4.1: 10 of 1,614,088 alleles (0.00062%); highest among the groups gnomAD compares: Non-Finnish European, 0.00085%; no homozygotes.

Submissions (3):

Mayo Clinic Laboratories, Mayo Clinic
Classification: Uncertain significance. Last evaluated: 2022-03-22. Review status: criteria provided, single submitter. Criteria: ACMG Guidelines, 2015. Collection method: clinical testing. Allele origin: germline. Observed: 1 variant allele.
Comment: BP4, PM2_supporting

Revvity Omics, Revvity
Classification: Uncertain significance. Last evaluated: 2021-08-10. Review status: criteria provided, single submitter. Criteria: ACMG Guidelines, 2015. Collection method: clinical testing. Allele origin: germline.

Eurofins Ntd Llc (ga)
Classification: Uncertain significance. Last evaluated: 2017-05-04. Review status: criteria provided, single submitter. Criteria: EGL Classification Definitions 2015. Collection method: clinical testing. Allele origin: germline. Observed: 2 variant alleles, 2 heterozygotes.